The following is an entry in ClinVar:

ClinVar aggregate classification (germline): Conflicting classifications of pathogenicity. Review status: criteria provided, conflicting classifications (1 of 4 stars). 10 submissions from 10 submitters: Uncertain significance (1); Benign (2); Likely benign (5). 2 of the submissions do not count toward it. Last evaluated 2026-09-01.

Conditions:
CP-related disorder. Also called: CP-related condition.
Deficiency of ferroxidase (ACEP). Also called: Aceruloplasminemia; Ceruloplasmin deficiency; Familial apoceruloplasmin deficiency; Hereditary ceruloplasmin deficiency; Deficiency of ceruloplasmin; NEURODEGENERATION WITH BRAIN IRON ACCUMULATION 10. Identifiers: Orphanet 48818, MedGen C0878682, MONDO:0011426, OMIM 604290, HP:0025498.

Allele frequency attached by ClinVar (database versions not stated): 1000 Genomes Project 30x 0.00094; 1000 Genomes Project 0.00100; TOPMed 0.00222; gnomAD 0.00232 and 0.00242; gnomAD exomes 0.00235 and 0.00378; ExAC 0.00253; ESP Exome Variant Server 0.00323.
gnomAD v4.1: 5,801 of 1,614,060 alleles (0.36%); highest among the groups gnomAD compares: Non-Finnish European, 0.45%; 16 homozygotes.

Submissions (10):

CeGaT Center for Human Genetics Tuebingen
Classification: Likely benign. Last evaluated: 2026-09-01. Review status: criteria provided, single submitter. Criteria: CeGaT Center For Human Genetics Tuebingen Variant Classification Criteria Version 2. Collection method: clinical testing. Allele origin: germline. Affected: yes. Observed: 15 variant alleles.
Comment: CP: BS2

Labcorp Genetics (formerly Invitae), Labcorp
Classification: Benign for Deficiency of ferroxidase. Last evaluated: 2026-02-04. Review status: criteria provided, single submitter. Criteria: Invitae Variant Classification Sherloc (09022015). Collection method: clinical testing. Allele origin: germline.

Blueprint Genetics
Classification: Likely benign. Last evaluated: 2024-11-01. Review status: criteria provided, single submitter. Criteria: ACMG Guidelines, 2015. Collection method: clinical testing. Allele origin: germline.

Mayo Clinic Laboratories, Mayo Clinic
Classification: Benign. Last evaluated: 2024-06-19. Review status: criteria provided, single submitter. Criteria: ACMG Guidelines, 2015. Collection method: clinical testing. Allele origin: germline. Observed: 11 variant alleles.
Comment: BS1, BS2

Women's Health and Genetics/Laboratory Corporation of America, LabCorp
Classification: Likely benign. Last evaluated: 2023-07-14. Review status: criteria provided, single submitter. Criteria: LabCorp Variant Classification Summary - May 2015. Collection method: clinical testing. Allele origin: germline.
Comment: Variant summary: CP c.1430C>T (p.Pro477Leu) results in a non-conservative amino acid change in the encoded protein sequence. Five of five in-silico tools predict a damaging effect of the variant on protein function. The variant allele was found at a frequency of 0.0023 in 251416 control chromosomes, predominantly at a frequency of 0.004 within the Non-Finnish European subpopulation in the gnomAD database, including 2 homozygotes. The observed variant frequency within Non-Finnish European control individuals in the gnomAD database is approximately 21 fold of the estimated maximal expected allele frequency for a pathogenic variant in CP causing Neurodegeneration With Brain Iron Accumulation phenotype (0.00019), strongly suggesting that the variant is a benign polymorphism found primarily in populations of Non-Finnish European origin. c.1430C>T has been reported in the literature in individuals affected with Hyperferritinemia (Corradini_2021). This report does not provide unequivocal conclusions about association of the variant with Neurodegeneration With Brain Iron Accumulation. To our knowledge, no experimental evidence demonstrating an impact on protein function has been reported. The following publication have been ascertained in the context of this evaluation (PMID: 33774058). Five submitters have cited clinical-significance assessments for this variant to ClinVar after 2014 and classified as benign/likely benign (n=4) and VUS (n=1). Based on the evidence outlined above, the variant was classified as likely benign.

Institute of Human Genetics, University of Leipzig Medical Center
Classification: Likely benign for Deficiency of ferroxidase. Last evaluated: 2019-01-01. Review status: criteria provided, single submitter. Criteria: ACMG Guidelines, 2015. Collection method: clinical testing. Allele origin: unknown. Affected: yes.

Illumina Laboratory Services, Illumina
Classification: Likely benign for Deficiency of ferroxidase. Last evaluated: 2018-01-12. Review status: criteria provided, single submitter. Criteria: ICSL Variant Classification Criteria 13 December 2019. Collection method: clinical testing. Allele origin: germline.
Comment: This variant was observed in the ICSL laboratory as part of a predisposition screen in an ostensibly healthy population. It had not been previously curated by ICSL or reported in the Human Gene Mutation Database (HGMD: prior to June 1st, 2018), and was therefore a candidate for classification through an automated scoring system. Utilizing variant allele frequency, disease prevalence and penetrance estimates, and inheritance mode, an automated score was calculated to assess if this variant is too frequent to cause the disease. Based on the score and internal cut-off values, a variant classified as likely benign is not then subjected to further curation. The score for this variant resulted in a classification of likely benign for this disease.

Genetic Services Laboratory, University of Chicago
Classification: Uncertain significance. Last evaluated: 2015-03-13. Review status: criteria provided, single submitter. Criteria: ACMG Guidelines, 2015. Collection method: clinical testing. Allele origin: germline.

PreventionGenetics, part of Exact Sciences
Classification: Likely benign for CP-related condition. Last evaluated: 2022-08-17. Review status: no assertion criteria provided. Collection method: clinical testing. Allele origin: germline. Not counted in ClinVar's aggregate classification.
Comment: This variant is classified as likely benign based on ACMG/AMP sequence variant interpretation guidelines (Richards et al. 2015 PMID: 25741868, with internal and published modifications).

Department of Pathology and Laboratory Medicine, Sinai Health System
Classification: Likely benign. Review status: no assertion criteria provided. Collection method: clinical testing. Allele origin: unknown. Affected: yes. Study: The Canadian Open Genetics Repository (COGR). Not counted in ClinVar's aggregate classification.
Comment: The CP p.Pro477Leu variant was identified in 1 of 352 proband chromosomes (frequency: 0.003) from individuals or families with Parkinson disease but was also present in 1 of 360 control chromosomes (frequency: 0.003) from healthy individuals (Hochstrasser_2004_PMID:15557511). The variant was identified in dbSNP (ID: rs35331711), LOVD 3.0 and ClinVar (classified as uncertain significance by Illumina and Genetic Services Laboratory, University of Chicago, as likely benign by Diagnostic Laboratory, Department of Genetics, University Medical Center Groningen and as benign by Invitae). The variant was identified in control databases in 680 of 282808 chromosomes (2 homozygous) at a frequency of 0.002404 increasing the likelihood this could be a low frequency benign variant (Genome Aggregation Database March 6, 2019, v2.1.1). The variant was observed in the following populations: European (non-Finnish) in 521 of 129134 chromosomes (freq: 0.004035), Ashkenazi Jewish in 35 of 10364 chromosomes (freq: 0.003377), Other in 20 of 7222 chromosomes (freq: 0.002769), Latino in 50 of 35438 chromosomes (freq: 0.001411), European (Finnish) in 34 of 25124 chromosomes (freq: 0.001353), African in 19 of 24964 chromosomes (freq: 0.000761) and South Asian in 1 of 30616 chromosomes (freq: 0.000033), but was not observed in the East Asian population. Although the p.Pro477 residue is not conserved in mammals and other organisms, computational analyses (PolyPhen-2, SIFT, AlignGVGD, BLOSUM, MutationTaster) suggest that the variant may impact the protein. The variant occurs outside of the splicing consensus sequence and in silico or computational prediction software programs (SpliceSiteFinder, MaxEntScan, NNSPLICE, GeneSplicer) do not predict a difference in splicing. In summary, based on the above information the clinical significance of this variant cannot be determined with certainty at this time although we would lean towards a more benign role for this variant. This variant is classified as likely benign.

Literature cited by the submitters: PubMed 15557511 (cited by Mayo Clinic Laboratories, Mayo Clinic); PubMed 18675357 (cited by Mayo Clinic Laboratories, Mayo Clinic); PubMed 20981230 (cited by Mayo Clinic Laboratories, Mayo Clinic); PubMed 25758665 (cited by Mayo Clinic Laboratories, Mayo Clinic); PubMed 29482220 (cited by Mayo Clinic Laboratories, Mayo Clinic); PubMed 33513852 (cited by Mayo Clinic Laboratories, Mayo Clinic); PubMed 33774058 (cited by Mayo Clinic Laboratories, Mayo Clinic and Women's Health and Genetics/Laboratory Corporation of America, LabCorp); PubMed 34023349 (cited by Mayo Clinic Laboratories, Mayo Clinic); PubMed 34828384 (cited by Mayo Clinic Laboratories, Mayo Clinic); PubMed 36686537 (cited by Mayo Clinic Laboratories, Mayo Clinic); PubMed 37024536 (cited by Mayo Clinic Laboratories, Mayo Clinic).

NM_000096.4(CP):c.1430C>T (p.Pro477Leu)

Gene: CP (ceruloplasmin; minus strand). Cytogenetic location: 3q24.
Variant type: single nucleotide variant.
Coding change: c.1430C>T on transcript NM_000096.4 (MANE Select); coding-DNA position 1430, C replaced by T.
Protein change: p.Pro477Leu; replaces proline 477 with leucine.
Molecular consequence: missense variant. On other transcripts: non-coding transcript variant (1).
Genome position (GRCh38, 1-based): chr3:149,199,783, G>A on the plus strand (C>T on the coding strand, the complement: CP is on the minus strand). VCF-style: chr3-149199783-G-A. GRCh37 (hg19) VCF-style: chr3-148917570-G-A.
Other names: p.Pro477Leu; short protein forms P477L.
Identifiers: ClinVar variation 210755 (VCV000210755.61), dbSNP rs35331711, ClinGen allele CA206118.